The following is an entry in ClinVar:

NM_033380.3(COL4A5):c.1033-3A>G

Gene: COL4A5 (collagen type IV alpha 5 chain; plus strand). Cytogenetic location: Xq22.3.
Variant type: single nucleotide variant.
Coding change: c.1033-3A>G on transcript NM_033380.3 (MANE Select); 3 bases into the intron before coding-DNA position 1033, A replaced by G.
Molecular consequence: intron variant.
Genome position (GRCh38, 1-based): chrX:108,586,612, A>G. VCF-style: chrX-108586612-A-G. GRCh37 (hg19) VCF-style: chrX-107829842-A-G.
Other names: c.1033-3A>G (NM_000495.5).
Identifiers: ClinVar variation 988153 (VCV000988153.3), dbSNP rs2066339277, ClinGen allele CA1139667754.

ClinVar aggregate classification (germline): Uncertain significance. Review status: criteria provided, single submitter (1 of 4 stars). 2 submissions from 2 submitters: Uncertain significance (1). 1 of the submissions does not count toward it. Last evaluated 2020-12-18.

Conditions:
Alport syndrome. Also called: Hemorrhagic familial nephritis; Hemorrhagic hereditary nephritis; Congenital hereditary hematuria. Identifiers: Orphanet 63, MedGen C1567741, MONDO:0018965.

Submissions (2):

Athena Diagnostics
Classification: Uncertain significance. Last evaluated: 2020-12-18. Review status: criteria provided, single submitter. Criteria: Athena Diagnostics criteria. Collection method: clinical testing. Allele origin: unknown.

Sydney Genome Diagnostics, Children's Hospital Westmead
Classification: Uncertain significance for Alport syndrome. Last evaluated: 2019-06-18. Review status: no assertion criteria provided. Collection method: clinical testing. Allele origin: unknown. Affected: yes. Observed: 1 variant allele, 1 hemizygote. Not counted in ClinVar's aggregate classification.
Comment: This intronic variant has not been reported in any population databases (i.e. gnomAD, ExAC, ESP or dbSNP). To our knowledge, this variant has not been previously reported in the literature or any disease specific databases. In silico analysis (through Alamut Visual v2.8.1) regarding the effect of this varaint on splicing is inconclusive. This variant is considered to be a variant of uncertain clinical significance (VOUS) according to the ACMG guidelines (Evidence used: PM2).